The following is an entry in ClinVar:

ClinVar aggregate classification (germline): Pathogenic/Likely pathogenic. Review status: criteria provided, multiple submitters, no conflicts (2 of 4 stars). 4 submissions from 4 submitters: Pathogenic (1); Likely pathogenic (1). 2 of the submissions do not count toward it. Last evaluated 2025-11-12.

Conditions:
Charcot-Marie-Tooth Neuropathy X. Identifiers: MedGen CN118851.
Charcot-Marie-Tooth disease. Also called: Charcot-Marie-Tooth Neuropathy; Charcot-Marie-Tooth Hereditary Neuropathy. Identifiers: Orphanet 166, MedGen C0007959, MONDO:0015626.
Charcot-Marie-Tooth disease X-linked dominant 1. Also called: Charcot-Marie-Tooth Neuropathy X Type 1; GJB1 Disorders: Charcot-Marie-Tooth Neuropathy (CMT1X) and Central Nervous System Phenotypes; X-linked Charcot-Marie-Tooth disease type 1; CHARCOT-MARIE-TOOTH NEUROPATHY, X-LINKED, 1; CHARCOT-MARIE-TOOTH PERONEAL MUSCULAR ATROPHY, X-LINKED; HEREDITARY MOTOR AND SENSORY NEUROPATHY, X-LINKED. Identifiers: Orphanet 101075, MedGen C0393808, MONDO:0010549, OMIM 302800.

Submissions (4):

3billion
Classification: Likely pathogenic for Charcot-Marie-Tooth disease X-linked dominant 1. Last evaluated: 2025-11-12. Review status: criteria provided, single submitter. Criteria: ACMG Guidelines, 2015. Collection method: clinical testing. Allele origin: germline. Affected: yes.
Comment: The variant is not observed in the gnomAD v4.1.0 dataset. Predicted Consequence/Location: Frameshift: predicted to result in a loss or disruption of normal protein function through protein truncation. Multiple pathogenic variants are reported in the predicted truncated region. The variant has been reported to be associated with GJB1-related disorder (ClinVar ID: VCV000637569 /PMID: 22464564). Therefore, this variant is classified as Likely pathogenic according to the recommendation of ACMG/AMP guideline.

Labcorp Genetics (formerly Invitae), Labcorp
Classification: Pathogenic for Charcot-Marie-Tooth Neuropathy X. Last evaluated: 2024-10-30. Review status: criteria provided, single submitter. Criteria: Invitae Variant Classification Sherloc (09022015). Collection method: clinical testing. Allele origin: germline.
Comment: This sequence change creates a premature translational stop signal (p.Ser42Cysfs*4) in the GJB1 gene. While this is not anticipated to result in nonsense mediated decay, it is expected to disrupt the last 242 amino acid(s) of the GJB1 protein. This variant is not present in population databases (gnomAD no frequency). This premature translational stop signal has been observed in individual(s) with X-linked Charcot-Marie-Tooth disease type 1X (PMID: 22464564). This variant is also known as p.Ser42CysfsX45. This variant disrupts a region of the GJB1 protein in which other variant(s) (p.Tyr65*) have been determined to be pathogenic (PMID: 22464564). This suggests that this is a clinically significant region of the protein, and that variants that disrupt it are likely to be disease-causing. For these reasons, this variant has been classified as Pathogenic.

Inherited Neuropathy Consortium Ii, University Of Miami
Classification: Uncertain significance for Charcot-Marie-Tooth disease X-linked dominant 1. Last evaluated: 2016-01-06. Review status: no assertion criteria provided. Collection method: literature only. Allele origin: germline. Affected: yes. Not counted in ClinVar's aggregate classification.

Inherited Neuropathy Consortium
Classification: Uncertain significance for Charcot-Marie-Tooth disease. Review status: no assertion criteria provided. Collection method: literature only. Allele origin: germline. Affected: yes. Not counted in ClinVar's aggregate classification.

Literature cited by the submitters: PubMed 22464564 (cited by 4 submitters).

NM_000166.6(GJB1):c.124_125del (p.Ser42fs)

Gene: GJB1 (gap junction protein beta 1; plus strand). Cytogenetic location: Xq13.1.
Variant type: Microsatellite.
Coding change: c.124_125del on transcript NM_000166.6 (MANE Select); coding-DNA positions 124 to 125, 2 bases deleted (AG; older notation c.124_125delAG).
Protein change: p.Ser42fs; shifts the reading frame from serine 42.
Molecular consequence: frameshift variant.
Genome position (GRCh38, 1-based): chrX:71,223,831-71,223,832, AG deleted; deleting any 2 consecutive bases within chrX:71,223,827-71,223,832 gives the same sequence; the c. name uses the placement nearest the transcript's 3' end. VCF-style (leftmost placement, unchanged base first): chrX-71223826-CAG-C. GRCh37 (hg19) VCF-style: chrX-70443676-CAG-C.
Other names: c.124_125del, p.Ser42fs (NM_001097642.3); short protein forms S42fs.
Identifiers: ClinVar variation 637569 (VCV000637569.11), dbSNP rs1602348794, ClinGen allele CA915951180.